The following is an entry in ClinVar:

ClinVar aggregate classification (germline): Conflicting classifications of pathogenicity. Review status: criteria provided, conflicting classifications (1 of 4 stars). 7 submissions from 6 submitters: Likely pathogenic (3); Uncertain significance (3). 1 of the submissions does not count toward it. Last evaluated 2025-01-06.

Conditions:
Type 2 diabetes mellitus. Also called: Type II diabetes mellitus. Identifiers: MedGen C0011860, MeSH D003924, MONDO:0005148, OMIM 125853, HP:0005978.
Maturity-onset diabetes of the young (MODY). Also called: Maturity onset diabetes mellitus in young. Identifiers: Orphanet 552, MedGen C0342276, MONDO:0018911, HP:0004904.
Hyperinsulinemic hypoglycemia, familial, 1 (HHF1). Also called: HYPERINSULINISM, FAMILIAL, WITH PANCREATIC NESIDIOBLASTOSIS; HYPOGLYCEMIA, HYPERINSULINEMIC, OF INFANCY; Persistent hyperinsulinemic hypoglycemia of infancy; NESIDIOBLASTOSIS OF PANCREAS; Persistent Hyperinsulinemia Hypoglycemia of Infancy. Identifiers: Orphanet 276575, Orphanet 276598, MedGen C2931832, MONDO:0009734, OMIM 256450.
Diabetes mellitus, transient neonatal, 2 (TNDM2). Identifiers: Orphanet 99886, MedGen C1835887, MONDO:0012480, OMIM 610374. Disease mechanism: loss of function.
Diabetes mellitus, permanent neonatal 3. Also called: ABCC8-Related Permanent Neonatal Diabetes Mellitus. Identifiers: MedGen C5394303, MONDO:0030088, OMIM 618857.
Leucine-induced hypoglycemia (LIH). Also called: LEUCINE-SENSITIVE HYPOGLYCEMIA OF INFANCY. Identifiers: MedGen C0271714, MONDO:0009415, OMIM 240800.
Transitory neonatal diabetes mellitus. Also called: Transient neonatal diabetes mellitus. Identifiers: MedGen C0342273, MONDO:0020525, HP:0008255.

Allele frequency attached by ClinVar (database versions not stated): gnomAD exomes below 0.00001; gnomAD 0.00001.
gnomAD v4.1: 2 of 1,613,744 alleles (0.00012%); highest among the groups gnomAD compares: Non-Finnish European, 0.00017%; no homozygotes.

Submissions (7):

Myriad Genetics, Inc.
Classification: Likely pathogenic for Hyperinsulinemic hypoglycemia, familial, 1. Last evaluated: 2025-01-06. Review status: criteria provided, single submitter. Criteria: Myriad Autosomal Dominant, Autosomal Recessive and X-Linked Classification Criteria (2023). Collection method: clinical testing. Allele origin: unknown.
Comment: NM_000352.3(ABCC8):c.1508T>C(L503P) is a missense variant classified as likely pathogenic in the context of familial hyperinsulinism, ABCC8-related. L503P has been observed in cases with relevant disease (PMID: 16357843, 34253504, 19475716). Relevant functional assessments of this variant are available in the literature (PMID: 17575084). L503P has not been observed in referenced population frequency databases. In summary, NM_000352.3(ABCC8):c.1508T>C(L503P) is a missense variant that has functional support for pathogenicity and has been observed more frequently in cases with the relevant disease than in healthy populations. Please note: this variant was assessed in the context of healthy population screening.

Fulgent Genetics
Classification: Likely pathogenic for Type 2 diabetes mellitus; Leucine-induced hypoglycemia; Hyperinsulinemic hypoglycemia, familial, 1; Diabetes mellitus, transient neonatal, 2; Diabetes mellitus, permanent neonatal 3. Last evaluated: 2024-06-18. Review status: criteria provided, single submitter. Criteria: ACMG Guidelines, 2015. Collection method: clinical testing. Allele origin: germline.

Women's Health and Genetics/Laboratory Corporation of America, LabCorp
Classification: Uncertain significance. Last evaluated: 2024-06-13. Review status: criteria provided, single submitter. Criteria: LabCorp Variant Classification Summary - May 2015. Collection method: clinical testing. Allele origin: germline.
Comment: Variant summary: ABCC8 c.1508T>C (p.Leu503Pro) results in a non-conservative amino acid change located in the ABC transporter type 1, transmembrane domain (IPR011527) of the encoded protein sequence. Five of five in-silico tools predict a damaging effect of the variant on protein function. The variant was absent in 250956 control chromosomes. The available data on variant occurrences in the general population are insufficient to allow any conclusion about variant significance. c.1508T>C has been reported in the literature in individuals affected with Congenital Hyperinsulinism in both the monoallelic and biallelic state (e.g. Snider_2013, Bellann-Chantelot_2010, Sandal_2009, Suchi_2006, Nvoa-Medina_2021). These data indicate that the variant may be associated with disease. At least one publication reports experimental evidence evaluating an impact on protein function, however, does not allow convincing conclusions about the variant effect (Yan_2007). The following publications have been ascertained in the context of this evaluation (PMID: 20685672, 34253504, 19475716, 23275527, 16357843, 17575084). ClinVar contains an entry for this variant (Variation ID: 551001). Based on the evidence outlined above, the variant was classified as VUS-possibly pathogenic.

Baylor Genetics
Classification: Likely pathogenic for Type 2 diabetes mellitus. Last evaluated: 2023-03-28. Review status: criteria provided, single submitter. Criteria: ACMG Guidelines, 2015. Collection method: clinical testing. Allele origin: unknown.

Clinical Genomics, Uppaluri K&H Personalized Medicine Clinic
Classification: Uncertain significance for Maturity-onset diabetes of the young. Review status: criteria provided, single submitter. Criteria: K & H Uppaluri Personalized Medicine Clinic Variant Classification & Assertion Criteria_Updated V.1. Collection method: research. Allele origin: unknown. Inheritance: Somatic mutation.
Comment: Mutations in ABCC8 gene are associated with both neonatal diabetes mellitus as well as MODY. Patients with this mutation may have a better response to sulfonylureas. However, no sufficient evidence is found to ascertain the role of this particular variant (rs1554933168) in MODY yet.

Clinical Genomics, Uppaluri K&H Personalized Medicine Clinic
Classification: Uncertain significance for Transitory neonatal diabetes mellitus. Review status: criteria provided, single submitter. Criteria: K & H Uppaluri Personalized Medicine Clinic Variant Classification & Assertion Criteria_Updated V.1. Collection method: research. Allele origin: unknown. Inheritance: Somatic mutation.
Comment: Mutations in ABCC8 gene are associated with both neonatal diabetes mellitus as well as MODY. Patients with this mutation may have a better response to sulfonylureas. However, no sufficient evidence is found to ascertain the role of this particular variant (rs1554933168) in neonatal diabetes yet.

Counsyl
Classification: Likely pathogenic for Hyperinsulinemic hypoglycemia, familial, 1. Last evaluated: 2017-03-16. Review status: no assertion criteria provided. Collection method: clinical testing. Allele origin: unknown. Not counted in ClinVar's aggregate classification.

Literature cited by the submitters: PubMed 16357843 (cited by Myriad Genetics, Inc. and Women's Health and Genetics/Laboratory Corporation of America, LabCorp); PubMed 17575084 (cited by 3 submitters); PubMed 19475716 (cited by 3 submitters); PubMed 34253504 (cited by Myriad Genetics, Inc. and Women's Health and Genetics/Laboratory Corporation of America, LabCorp); PubMed 20685672 (cited by Women's Health and Genetics/Laboratory Corporation of America, LabCorp and Counsyl); PubMed 23275527 (cited by Women's Health and Genetics/Laboratory Corporation of America, LabCorp and Counsyl); PubMed 16885549 (cited by Clinical Genomics, Uppaluri K&H Personalized Medicine Clinic); PubMed 21989597 (cited by Clinical Genomics, Uppaluri K&H Personalized Medicine Clinic); PubMed 27538677 (cited by Clinical Genomics, Uppaluri K&H Personalized Medicine Clinic); PubMed 18981553 (cited by Clinical Genomics, Uppaluri K&H Personalized Medicine Clinic); PubMed 32027066 (cited by Clinical Genomics, Uppaluri K&H Personalized Medicine Clinic); PubMed 16613899 (cited by Clinical Genomics, Uppaluri K&H Personalized Medicine Clinic); PubMed 18025408 (cited by Clinical Genomics, Uppaluri K&H Personalized Medicine Clinic); PubMed 32792356 (cited by Clinical Genomics, Uppaluri K&H Personalized Medicine Clinic).

NM_000352.6(ABCC8):c.1508T>C (p.Leu503Pro)

Gene: ABCC8 (ATP binding cassette subfamily C member 8; minus strand). Cytogenetic location: 11p15.1.
Variant type: single nucleotide variant.
Coding change: c.1508T>C on transcript NM_000352.6 (MANE Select); coding-DNA position 1508, T replaced by C.
Protein change: p.Leu503Pro; replaces leucine 503 with proline.
Molecular consequence: missense variant. On other transcripts: non-coding transcript variant (1).
Genome position (GRCh38, 1-based): chr11:17,442,842, A>G on the plus strand (T>C on the coding strand, the complement: ABCC8 is on the minus strand). VCF-style: chr11-17442842-A-G. GRCh37 (hg19) VCF-style: chr11-17464389-A-G.
Other names: c.1508T>C, p.Leu503Pro (NM_001287174.3, NM_001351295.2); c.1505T>C, p.Leu502Pro (NM_001351296.2, NM_001351297.2); short protein forms L503P, L502P.
Identifiers: ClinVar variation 551001 (VCV000551001.7), dbSNP rs1554933168, ClinGen allele CA379766570.